The following is an entry in ClinVar:

NM_000059.4(BRCA2):c.9833C>T (p.Pro3278Leu)

Gene: BRCA2 (BRCA2 DNA repair associated; plus strand). Cytogenetic location: 13q13.1.
Variant type: single nucleotide variant.
Coding change: c.9833C>T on transcript NM_000059.4 (MANE Select); coding-DNA position 9833, C replaced by T.
Protein change: p.Pro3278Leu; replaces proline 3278 with leucine.
Molecular consequence: missense variant. On other transcripts: non-coding transcript variant (1).
Genome position (GRCh38, 1-based): chr13:32,398,346, C>T. VCF-style: chr13-32398346-C-T. GRCh37 (hg19) VCF-style: chr13-32972483-C-T.
Other names: c.9737C>T, p.Pro3246Leu (NM_001406719.1); c.9782C>T, p.Pro3261Leu (NM_001406720.1); c.4901C>T, p.Pro1634Leu (NM_001406721.1); c.3416C>T, p.Pro1139Leu (NM_001406722.1); c.9833C>T, p.Pro3278Leu (NM_001432077.1); short protein forms P1139L, P1634L, P3246L, P3261L, P3278L.
Identifiers: ClinVar variation 3894333 (VCV003894333.1).

ClinVar aggregate classification (germline): Uncertain significance (1 of 4 stars; one submission).

Conditions:
Hereditary cancer-predisposing syndrome. Also called: Neoplastic Syndromes, Hereditary; Tumor predisposition; Hereditary Cancer Syndrome; Hereditary neoplastic syndrome. Identifiers: Orphanet 140162, MedGen C0027672, MeSH D009386, MONDO:0015356.

gnomAD v4.1: 1 of 1,614,044 alleles (0.000062%); highest among the groups gnomAD compares: African/African-American, 0.0013%; no homozygotes.

Submission:

Color Diagnostics, LLC DBA Color Health
Classification: Uncertain significance for Hereditary cancer-predisposing syndrome. Last evaluated: 2024-02-05. Review status: criteria provided, single submitter. Criteria: ACMG Guidelines, 2015. Collection method: clinical testing. Allele origin: germline.
Comment: This missense variant replaces proline with leucine at codon 3278 of the BRCA2 protein. Computational prediction suggests that this variant may not impact protein structure and function. To our knowledge, functional studies have not been reported for this variant. This variant has not been reported in individuals affected with BRCA2-related disorders in the literature. This variant has been identified in 1/251318 chromosomes in the general population by the Genome Aggregation Database (gnomAD). The available evidence is insufficient to determine the role of this variant in disease conclusively. Therefore, this variant is classified as a Variant of Uncertain Significance.